The following is an entry in ClinVar:

NM_001292063.2(OTOG):c.3032_3033del (p.Val1011fs)

Gene: OTOG (otogelin; plus strand). Cytogenetic location: 11p15.1.
Variant type: Microsatellite.
Coding change: c.3032_3033del on transcript NM_001292063.2 (MANE Select); coding-DNA positions 3032 to 3033, 2 bases deleted (TG; older notation c.3032_3033delTG).
Protein change: p.Val1011fs; shifts the reading frame from valine 1011.
Molecular consequence: frameshift variant.
Genome position (GRCh38, 1-based): chr11:17,593,218-17,593,219, TG deleted; deleting any 2 consecutive bases within chr11:17,593,216-17,593,219 gives the same sequence; the c. name uses the placement nearest the transcript's 3' end. VCF-style (leftmost placement, unchanged base first): chr11-17593215-CTG-C. GRCh37 (hg19) VCF-style: chr11-17614762-CTG-C.
Other names: c.3068_3069del, p.Val1023fs (NM_001277269.2); short protein forms V1023fs, V1011fs.
Identifiers: ClinVar variation 4763497 (VCV004763497.1).

ClinVar aggregate classification (germline): Pathogenic (1 of 4 stars; one submission).

Submission:

Labcorp Genetics (formerly Invitae), Labcorp
Classification: Pathogenic. Last evaluated: 2025-09-10. Review status: criteria provided, single submitter. Criteria: Invitae Variant Classification Sherloc (09022015). Collection method: clinical testing. Allele origin: germline.
Comment: This sequence change creates a premature translational stop signal (p.Val1023Aspfs*30) in the OTOG gene. It is expected to result in an absent or disrupted protein product. Loss-of-function variants in OTOG are known to be pathogenic (PMID: 23122587). This variant is not present in population databases (gnomAD no frequency). This variant has not been reported in the literature in individuals affected with OTOG-related conditions. For these reasons, this variant has been classified as Pathogenic.

Literature cited by the submitters: PubMed 23122587.